The following is an entry in ClinVar:

ClinVar aggregate classification (germline): Uncertain significance (1 of 4 stars; one submission).

Conditions:
Duchenne muscular dystrophy (DMD). Also called: MUSCULAR DYSTROPHY, PSEUDOHYPERTROPHIC PROGRESSIVE, DUCHENNE TYPE; Duchenne Muscular Dystrophy (DMD). Identifiers: Orphanet 98896, MedGen C0013264, MONDO:0010679, OMIM 310200.

Submission:

Labcorp Genetics (formerly Invitae), Labcorp
Classification: Uncertain significance for Duchenne muscular dystrophy. Last evaluated: 2025-01-05. Review status: criteria provided, single submitter. Criteria: Invitae Variant Classification Sherloc (09022015). Collection method: clinical testing. Allele origin: germline.
Comment: This sequence change replaces leucine, which is neutral and non-polar, with proline, which is neutral and non-polar, at codon 620 of the DMD protein (p.Leu620Pro). This variant is not present in population databases (gnomAD no frequency). This variant has not been reported in the literature in individuals affected with DMD-related conditions. Invitae Evidence Modeling of protein sequence and biophysical properties (such as structural, functional, and spatial information, amino acid conservation, physicochemical variation, residue mobility, and thermodynamic stability) indicates that this missense variant is not expected to disrupt DMD protein function with a negative predictive value of 95%. In summary, the available evidence is currently insufficient to determine the role of this variant in disease. Therefore, it has been classified as a Variant of Uncertain Significance.

NM_004006.3(DMD):c.1859T>C (p.Leu620Pro)

Gene: DMD (dystrophin; minus strand). Cytogenetic location: Xp21.1.
Variant type: single nucleotide variant.
Coding change: c.1859T>C on transcript NM_004006.3 (MANE Select); coding-DNA position 1859, T replaced by C.
Protein change: p.Leu620Pro; replaces leucine 620 with proline.
Molecular consequence: missense variant.
Genome position (GRCh38, 1-based): chrX:32,565,835, A>G on the plus strand (T>C on the coding strand, the complement: DMD is on the minus strand). VCF-style: chrX-32565835-A-G. GRCh37 (hg19) VCF-style: chrX-32583952-A-G.
Other names: c.1835T>C, p.Leu612Pro (NM_000109.4); c.1847T>C, p.Leu616Pro (NM_004009.3); c.1490T>C, p.Leu497Pro (NM_004010.3); short protein forms L497P, L612P, L616P, L620P.
Identifiers: ClinVar variation 3634860 (VCV003634860.2).
Genomic context (GRCh38, chrX:32,565,835, plus strand): 5'-GTCTTCTGGGTCACTGACTTATTCTTCAGTGTTGAAAGAAGATCTTGTTTGAGTGAATAC[A>G]GTTTGCCCATGGATTGCTTTTTCTTTTCTAGATCCGCTTTTAAAACCTGTTAAAACAAGA-3'
Protein context (NP_003997.2, residues 610-630): LEKKKQSMGK[Leu620Pro]YSLKQDLLST